The following is an entry in ClinVar:

NM_001042681.2(RERE):c.1951C>T (p.Arg651Trp)

Gene: RERE (arginine-glutamic acid dipeptide repeats; minus strand). Cytogenetic location: 1p36.23.
Variant type: single nucleotide variant.
Coding change: c.1951C>T on transcript NM_001042681.2 (MANE Select); coding-DNA position 1951, C replaced by T.
Protein change: p.Arg651Trp; replaces arginine 651 with tryptophan.
Molecular consequence: missense variant.
Genome position (GRCh38, 1-based): chr1:8,361,828, G>A on the plus strand (C>T on the coding strand, the complement: RERE is on the minus strand). VCF-style: chr1-8361828-G-A. GRCh37 (hg19) VCF-style: chr1-8421888-G-A.
Other names: c.289C>T, p.Arg97Trp (NM_001042682.2); c.1951C>T, p.Arg651Trp (NM_012102.4); short protein forms R651W, R97W.
Identifiers: ClinVar variation 2974344 (VCV002974344.2), dbSNP rs747684419, ClinGen allele CA571496.

ClinVar aggregate classification (germline): Uncertain significance (1 of 4 stars; one submission).

Allele frequency attached by ClinVar (database versions not stated): gnomAD 0.00002; TOPMed 0.00002; gnomAD exomes 0.00003; ExAC 0.00004.
gnomAD v4.1: 43 of 1,613,920 alleles (0.0027%); highest among the groups gnomAD compares: Non-Finnish European, 0.0035%; 1 homozygote.

Submission:

Labcorp Genetics (formerly Invitae), Labcorp
Classification: Uncertain significance. Last evaluated: 2023-12-07. Review status: criteria provided, single submitter. Criteria: Invitae Variant Classification Sherloc (09022015). Collection method: clinical testing. Allele origin: germline.
Comment: This sequence change replaces arginine, which is basic and polar, with tryptophan, which is neutral and slightly polar, at codon 651 of the RERE protein (p.Arg651Trp). This variant is present in population databases (rs747684419, gnomAD 0.006%). This variant has not been reported in the literature in individuals affected with RERE-related conditions. Advanced modeling of protein sequence and biophysical properties (such as structural, functional, and spatial information, amino acid conservation, physicochemical variation, residue mobility, and thermodynamic stability) has been performed at Invitae for this missense variant, however the output from this modeling did not meet the statistical confidence thresholds required to predict the impact of this variant on RERE protein function. In summary, the available evidence is currently insufficient to determine the role of this variant in disease. Therefore, it has been classified as a Variant of Uncertain Significance.